The following is an entry in ClinVar:

ClinVar aggregate classification (germline): Benign. Review status: criteria provided, multiple submitters, no conflicts (2 of 4 stars). 9 submissions from 9 submitters: Benign (8). 1 of the submissions does not count toward it. Last evaluated 2026-02-04.

Conditions:
Autosomal recessive nonsyndromic hearing loss 9. Also called: NEUROSENSORY NONSYNDROMIC RECESSIVE DEAFNESS 9; OTOF-Related Hearing Loss; Deafness, autosomal recessive 9; AUDITORY NEUROPATHY, AUTOSOMAL RECESSIVE, 1, TEMPERATURE-SENSITIVE. Identifiers: Orphanet 90636, MedGen C1832828, MONDO:0010986, OMIM 601071.

Allele frequency attached by ClinVar (database versions not stated): 1000 Genomes Project 30x 0.00593; 1000 Genomes Project 0.00619; gnomAD 0.01529; ESP Exome Variant Server 0.01892.
gnomAD v4.1: 30,714 of 1,612,842 alleles (1.9%); highest among the groups gnomAD compares: Non-Finnish European, 2.2%; 374 homozygotes.

Submissions (9):

Labcorp Genetics (formerly Invitae), Labcorp
Classification: Benign. Last evaluated: 2026-02-04. Review status: criteria provided, single submitter. Criteria: Invitae Variant Classification Sherloc (09022015). Collection method: clinical testing. Allele origin: germline.

ARUP Laboratories, Molecular Genetics and Genomics, ARUP Laboratories
Classification: Benign. Last evaluated: 2023-10-06. Review status: criteria provided, single submitter. Criteria: ARUP Molecular Germline Variant Investigation Process 2024. Collection method: clinical testing. Allele origin: germline.

Mayo Clinic Laboratories, Mayo Clinic
Classification: Benign. Last evaluated: 2021-02-19. Review status: criteria provided, single submitter. Criteria: ACMG Guidelines, 2015. Collection method: clinical testing. Allele origin: germline. Observed: 11 variant alleles.

Athena Diagnostics
Classification: Benign. Last evaluated: 2018-08-31. Review status: criteria provided, single submitter. Criteria: Athena Diagnostics Criteria. Collection method: clinical testing. Allele origin: germline.

GeneDx
Classification: Benign. Last evaluated: 2018-08-23. Review status: criteria provided, single submitter. Criteria: GeneDx Variant Classification Process June 2021. Collection method: clinical testing. Allele origin: germline. Affected: yes.
Comment: This variant is associated with the following publications: (PMID: 16371502, 18381613, 20301429)

Illumina Laboratory Services, Illumina
Classification: Benign for Autosomal recessive nonsyndromic hearing loss 9. Last evaluated: 2017-04-27. Review status: criteria provided, single submitter. Criteria: ICSL Variant Classification Criteria 13 December 2019. Collection method: clinical testing. Allele origin: germline.
Comment: This variant was observed as part of a predisposition screen in an ostensibly healthy population. A literature search was performed for the gene, cDNA change, and amino acid change (where applicable). Publications were found based on this search. The evidence from the literature, in combination with allele frequency data from public databases where available, was sufficient to rule this variant out of causing disease. Therefore, this variant is classified as benign.

Laboratory for Molecular Medicine, Mass General Brigham Personalized Medicine
Classification: Benign. Last evaluated: 2010-10-06. Review status: criteria provided, single submitter. Criteria: LMM Criteria. Collection method: clinical testing. Allele origin: germline. Observed: 64 variant alleles.
Comment: Ala1083Pro in exon 26 of OTOF: This variant is not expected to have clinical sig nificance because this residue is not highly conserved across species and this v ariant has been reported as benign in two publications (Varga 2006, Rodriguez-Ba llesteros 2008).

Breakthrough Genomics
Classification: Benign. Review status: criteria provided, single submitter. Criteria: ACMG Guidelines, 2015. Collection method: not provided. Allele origin: germline. Inheritance: Autosomal recessive inheritance. Affected: yes.

GeneReviews
No classification provided. Condition: Autosomal recessive nonsyndromic hearing loss 9. Review status: no classification provided. Collection method: literature only. Allele origin: unknown. Not counted in ClinVar's aggregate classification.

Literature cited by the submitters: PubMed 16371502 (cited by 3 submitters); PubMed 18381613 (cited by Laboratory for Molecular Medicine, Mass General Brigham Personalized Medicine); PubMed 20301429 (cited by GeneReviews); NCBI Bookshelf NBK1251 (cited by GeneReviews).

NM_194248.3(OTOF):c.3247G>C (p.Ala1083Pro)

Gene: OTOF (otoferlin; minus strand). Cytogenetic location: 2p23.3.
Variant type: single nucleotide variant.
Coding change: c.3247G>C on transcript NM_194248.3 (MANE Select); coding-DNA position 3247, G replaced by C.
Protein change: p.Ala1083Pro; replaces alanine 1083 with proline.
Molecular consequence: missense variant.
Genome position (GRCh38, 1-based): chr2:26,474,554, C>G on the plus strand (G>C on the coding strand, the complement: OTOF is on the minus strand). VCF-style: chr2-26474554-C-G. GRCh37 (hg19) VCF-style: chr2-26697422-C-G.
Other names: c.3247G>C, p.Ala1083Pro (NM_001287489.2); c.1006G>C, p.Ala336Pro (NM_004802.4, NM_194323.3); c.1177G>C, p.Ala393Pro (NM_194322.3); short protein forms A1083P, A336P, A393P.
Identifiers: ClinVar variation 21844 (VCV000021844.32), dbSNP rs80356574, ClinGen allele CA142846.